The following is an entry in ClinVar:

ClinVar aggregate classification (germline): Uncertain significance. Review status: criteria provided, multiple submitters, no conflicts (2 of 4 stars). 2 submissions from 2 submitters: Uncertain significance (2). Last evaluated 2025-03-08.

Allele frequency attached by ClinVar (database versions not stated): gnomAD exomes below 0.00001; ExAC 0.00001; gnomAD 0.00001; TOPMed 0.00001.
gnomAD v4.1: 5 of 1,614,038 alleles (0.00031%); highest among the groups gnomAD compares: Admixed American, 0.0033%; no homozygotes.

Submissions (2):

Ambry Genetics
Classification: Uncertain significance. Last evaluated: 2025-03-08. Review status: criteria provided, single submitter. Criteria: Ambry Variant Classification Scheme 2023. Collection method: clinical testing. Allele origin: germline.

Labcorp Genetics (formerly Invitae), Labcorp
Classification: Uncertain significance. Last evaluated: 2022-05-16. Review status: criteria provided, single submitter. Criteria: Invitae Variant Classification Sherloc (09022015). Collection method: clinical testing. Allele origin: germline.
Comment: This variant is present in population databases (rs757465539, gnomAD 0.004%). This sequence change replaces methionine, which is neutral and non-polar, with lysine, which is basic and polar, at codon 404 of the REL protein (p.Met404Lys). In summary, the available evidence is currently insufficient to determine the role of this variant in disease. Therefore, it has been classified as a Variant of Uncertain Significance. Algorithms developed to predict the effect of missense changes on protein structure and function (SIFT, PolyPhen-2, Align-GVGD) all suggest that this variant is likely to be tolerated. This variant has not been reported in the literature in individuals affected with REL-related conditions.

NM_001291746.2(REL):c.1115T>A (p.Met372Lys)

Gene: REL (REL proto-oncogene, NF-kB subunit; plus strand). Cytogenetic location: 2p16.1.
Variant type: single nucleotide variant.
Coding change: c.1115T>A on transcript NM_001291746.2 (MANE Select); coding-DNA position 1115, T replaced by A.
Protein change: p.Met372Lys; replaces methionine 372 with lysine.
Molecular consequence: missense variant.
Genome position (GRCh38, 1-based): chr2:60,921,886, T>A. VCF-style: chr2-60921886-T-A. GRCh37 (hg19) VCF-style: chr2-61149021-T-A.
Other names: c.1211T>A, p.Met404Lys (NM_002908.4); c.1211T>A (NM_002908.2); short protein forms M404K, M372K.
Identifiers: ClinVar variation 1995221 (VCV001995221.5), dbSNP rs757465539, ClinGen allele CA1672433.